The following is an entry in ClinVar:

ClinVar aggregate classification (germline): Uncertain significance. Review status: criteria provided, multiple submitters, no conflicts (2 of 4 stars). 4 submissions from 4 submitters: Uncertain significance (4). Last evaluated 2024-04-19.

Conditions:
Colorectal cancer. Also called: Colorectal cancer, somatic; Malignant Colorectal Neoplasm. Identifiers: MedGen C0346629, MONDO:0005575, OMIM 114500.

Allele frequency attached by ClinVar (database versions not stated): gnomAD 0.00001; gnomAD exomes 0.00001; ExAC 0.00005; TOPMed 0.00005.
gnomAD v4.1: 17 of 1,613,364 alleles (0.0011%); highest among the groups gnomAD compares: East Asian, 0.031%; no homozygotes.

Submissions (4):

Fulgent Genetics
Classification: Uncertain significance for Colorectal cancer. Last evaluated: 2024-04-19. Review status: criteria provided, single submitter. Criteria: ACMG Guidelines, 2015. Collection method: clinical testing. Allele origin: germline.

Blueprint Genetics
Classification: Uncertain significance. Last evaluated: 2024-02-28. Review status: criteria provided, single submitter. Criteria: ACMG Guidelines, 2015. Collection method: clinical testing. Allele origin: germline.

Ambry Genetics
Classification: Uncertain significance. Last evaluated: 2023-12-20. Review status: criteria provided, single submitter. Criteria: Ambry Variant Classification Scheme 2023. Collection method: clinical testing. Allele origin: germline.

Labcorp Genetics (formerly Invitae), Labcorp
Classification: Uncertain significance. Last evaluated: 2022-11-08. Review status: criteria provided, single submitter. Criteria: Invitae Variant Classification Sherloc (09022015). Collection method: clinical testing. Allele origin: germline.
Comment: In summary, the available evidence is currently insufficient to determine the role of this variant in disease. Therefore, it has been classified as a Variant of Uncertain Significance. Algorithms developed to predict the effect of missense changes on protein structure and function are either unavailable or do not agree on the potential impact of this missense change (SIFT: "Deleterious"; PolyPhen-2: "Probably Damaging"; Align-GVGD: "Class C0"). This variant has not been reported in the literature in individuals affected with DLC1-related conditions. This variant is present in population databases (rs775455713, gnomAD 0.09%), and has an allele count higher than expected for a pathogenic variant. This sequence change replaces valine, which is neutral and non-polar, with glutamic acid, which is acidic and polar, at codon 1248 of the DLC1 protein (p.Val1248Glu).

NM_182643.3(DLC1):c.3743T>A (p.Val1248Glu)

Gene: DLC1 (DLC1 Rho GTPase activating protein; minus strand). Cytogenetic location: 8p22.
Variant type: single nucleotide variant.
Coding change: c.3743T>A on transcript NM_182643.3 (MANE Select); coding-DNA position 3743, T replaced by A.
Protein change: p.Val1248Glu; replaces valine 1248 with glutamic acid.
Molecular consequence: missense variant.
Genome position (GRCh38, 1-based): chr8:13,091,430, A>T on the plus strand (T>A on the coding strand, the complement: DLC1 is on the minus strand). VCF-style: chr8-13091430-A-T. GRCh37 (hg19) VCF-style: chr8-12948939-A-T.
Other names: c.2210T>A, p.Val737Glu (NM_001164271.2, NM_001348082.2, NM_001348083.1 and 6 more transcripts); c.2534T>A, p.Val845Glu (NM_001316668.2, NM_001413129.1); c.3743T>A, p.Val1248Glu (NM_001348081.2, NM_001413124.1); c.2525T>A, p.Val842Glu (NM_001413130.1); c.2183T>A, p.Val728Glu (NM_001413131.1, NM_001413137.1); c.2669T>A, p.Val890Glu (NM_001413132.1); c.2432T>A, p.Val811Glu (NM_001413135.1, NM_001413136.1, NM_001413139.1 and 1 more transcripts); c.2567T>A, p.Val856Glu (NM_001413140.1); and 1 more; short protein forms V842E, V856E, V845E, V1248E, V737E, V811E, V728E, V890E.
Identifiers: ClinVar variation 2866291 (VCV002866291.6), dbSNP rs775455713, ClinGen allele CA4638183.